The following is an entry in ClinVar:

ClinVar aggregate classification (germline): Likely benign. Review status: criteria provided, single submitter (1 of 4 stars). 2 submissions from 2 submitters: Likely benign (1). 1 of the submissions does not count toward it. Last evaluated 2024-07-16.

Conditions:
BMS1-related disorder. Also called: BMS1-related condition.

Allele frequency attached by ClinVar (database versions not stated): gnomAD 0.00001; TOPMed 0.00001; gnomAD exomes 0.00002.
gnomAD v4.1: 29 of 1,611,718 alleles (0.0018%); highest among the groups gnomAD compares: East Asian, 0.051%; no homozygotes.

Submissions (2):

Blueprint Genetics
Classification: Likely benign. Last evaluated: 2024-07-16. Review status: criteria provided, single submitter. Criteria: ACMG Guidelines, 2015. Collection method: clinical testing. Allele origin: germline.

PreventionGenetics, part of Exact Sciences
Classification: Likely benign for BMS1-related condition. Last evaluated: 2019-11-01. Review status: no assertion criteria provided. Collection method: clinical testing. Allele origin: germline. Not counted in ClinVar's aggregate classification.
Comment: This variant is classified as likely benign based on ACMG/AMP sequence variant interpretation guidelines (Richards et al. 2015 PMID: 25741868, with internal and published modifications).

NM_014753.4(BMS1):c.2940A>T (p.Ala980=)

Gene: BMS1 (BMS1 ribosome biogenesis factor; plus strand). Cytogenetic location: 10q11.21.
Variant type: single nucleotide variant.
Coding change: c.2940A>T on transcript NM_014753.4 (MANE Select); coding-DNA position 2940, A replaced by T.
Protein change: p.Ala980=; no amino-acid change (alanine 980 retained).
Molecular consequence: synonymous variant.
Genome position (GRCh38, 1-based): chr10:42,820,678, A>T. VCF-style: chr10-42820678-A-T. GRCh37 (hg19) VCF-style: chr10-43316126-A-T.
Identifiers: ClinVar variation 3053391 (VCV003053391.3), dbSNP rs1370712378, ClinGen allele CA469479379.